The following is an entry in ClinVar:

NM_144687.4(NLRP12):c.2183G>C (p.Arg728Pro)

Gene: NLRP12 (NLR family pyrin domain containing 12; minus strand). Cytogenetic location: 19q13.42.
Variant type: single nucleotide variant.
Coding change: c.2183G>C on transcript NM_144687.4 (MANE Select); coding-DNA position 2183, G replaced by C.
Protein change: p.Arg728Pro; replaces arginine 728 with proline.
Molecular consequence: missense variant.
Genome position (GRCh38, 1-based): chr19:53,807,555, C>G on the plus strand (G>C on the coding strand, the complement: NLRP12 is on the minus strand). VCF-style: chr19-53807555-C-G. GRCh37 (hg19) VCF-style: chr19-54310809-C-G.
Other names: c.2186G>C, p.Arg729Pro (NM_001277126.2); c.2183G>C, p.Arg728Pro (NM_001277129.1); short protein forms R729P, R728P.
Identifiers: ClinVar variation 2124874 (VCV002124874.4), dbSNP rs373285006, ClinGen allele CA407411253.

ClinVar aggregate classification (germline): Uncertain significance (1 of 4 stars; one submission).

Conditions:
Familial cold autoinflammatory syndrome 2 (FCAS2). Identifiers: Orphanet 247868, MedGen C2673198, MONDO:0012724, OMIM 611762.

Submission:

Labcorp Genetics (formerly Invitae), Labcorp
Classification: Uncertain significance for Familial cold autoinflammatory syndrome 2. Last evaluated: 2022-04-11. Review status: criteria provided, single submitter. Criteria: Invitae Variant Classification Sherloc (09022015). Collection method: clinical testing. Allele origin: germline.
Comment: Algorithms developed to predict the effect of missense changes on protein structure and function are either unavailable or do not agree on the potential impact of this missense change (SIFT: "Deleterious"; PolyPhen-2: "Probably Damaging"; Align-GVGD: "Class C0"). In summary, the available evidence is currently insufficient to determine the role of this variant in disease. Therefore, it has been classified as a Variant of Uncertain Significance. This variant has not been reported in the literature in individuals affected with NLRP12-related conditions. This variant is not present in population databases (gnomAD no frequency). This sequence change replaces arginine, which is basic and polar, with proline, which is neutral and non-polar, at codon 728 of the NLRP12 protein (p.Arg728Pro).